The following is an entry in ClinVar:

NM_002204.4(ITGA3):c.840G>A (p.Ala280=)

Gene: ITGA3 (integrin subunit alpha 3; plus strand). Cytogenetic location: 17q21.33.
Variant type: single nucleotide variant.
Coding change: c.840G>A on transcript NM_002204.4 (MANE Select); coding-DNA position 840, G replaced by A.
Protein change: p.Ala280=; no amino-acid change (alanine 280 retained).
Molecular consequence: synonymous variant.
Genome position (GRCh38, 1-based): chr17:50,071,399, G>A. VCF-style: chr17-50071399-G-A. GRCh37 (hg19) VCF-style: chr17-48148763-G-A.
Identifiers: ClinVar variation 723326 (VCV000723326.10), dbSNP rs199801873, ClinGen allele CA8641360.

ClinVar aggregate classification (germline): Likely benign. Review status: criteria provided, multiple submitters, no conflicts (2 of 4 stars). 3 submissions from 3 submitters: Likely benign (3). Last evaluated 2025-03-10.

Conditions:
ITGA3-related disorder. Also called: ITGA3-related condition.
Epidermolysis bullosa, junctional 7, with interstitial lung disease and nephrotic syndrome. Also called: Interstitial Lung Disease with Nephrotic Syndrome and Epidermolysis Bullosa; Interstitial lung disease, nephrotic syndrome, and epidermolysis bullosa, congenital. Identifiers: Orphanet 306504, MedGen C4518785, MONDO:0013881, OMIM 614748.

Allele frequency attached by ClinVar (database versions not stated): gnomAD 0.00009; TOPMed 0.00009; ExAC 0.00012; gnomAD exomes 0.00014.
gnomAD v4.1: 300 of 1,614,078 alleles (0.019%); highest among the groups gnomAD compares: Non-Finnish European, 0.024%; no homozygotes.

Submissions (3):

Labcorp Genetics (formerly Invitae), Labcorp
Classification: Likely benign. Last evaluated: 2025-03-10. Review status: criteria provided, single submitter. Criteria: Invitae Variant Classification Sherloc (09022015). Collection method: clinical testing. Allele origin: germline.

PreventionGenetics, part of Exact Sciences
Classification: Likely benign for ITGA3-related condition. Last evaluated: 2024-11-17. Review status: criteria provided, single submitter. Criteria: ACMG Guidelines, 2015. Collection method: clinical testing. Allele origin: germline.
Comment: This variant is classified as likely benign based on ACMG/AMP sequence variant interpretation guidelines (Richards et al. 2015 PMID: 25741868, with internal and published modifications).

Fulgent Genetics
Classification: Likely benign for Epidermolysis bullosa, junctional 7, with interstitial lung disease and nephrotic syndrome. Last evaluated: 2022-04-15. Review status: criteria provided, single submitter. Criteria: ACMG Guidelines, 2015. Collection method: clinical testing. Allele origin: unknown.